The following is an entry in ClinVar:

NM_001130009.3(GEN1):c.2309C>T (p.Pro770Leu)

Gene: GEN1 (GEN1 Holliday junction 5' flap endonuclease; plus strand). Cytogenetic location: 2p24.2.
Variant type: single nucleotide variant.
Coding change: c.2309C>T on transcript NM_001130009.3 (MANE Select); coding-DNA position 2309, C replaced by T.
Protein change: p.Pro770Leu; replaces proline 770 with leucine.
Molecular consequence: missense variant.
Genome position (GRCh38, 1-based): chr2:17,781,521, C>T. VCF-style: chr2-17781521-C-T. GRCh37 (hg19) VCF-style: chr2-17962788-C-T.
Other names: c.2309C>T, p.Pro770Leu (NM_182625.5); short protein forms P770L.
Identifiers: ClinVar variation 3853632 (VCV003853632.1).

ClinVar aggregate classification (germline): Uncertain significance (1 of 4 stars; one submission).

gnomAD v4.1: 2 of 1,613,630 alleles (0.00012%); highest among the groups gnomAD compares: East Asian, 0.0022%; no homozygotes.

Submission:

Ambry Genetics
Classification: Uncertain significance. Last evaluated: 2025-03-14. Review status: criteria provided, single submitter. Criteria: Ambry Variant Classification Scheme 2023. Collection method: clinical testing. Allele origin: germline.
Comment: The p.P770L variant (also known as c.2309C>T), located in coding exon 13 of the GEN1 gene, results from a C to T substitution at nucleotide position 2309. The proline at codon 770 is replaced by leucine, an amino acid with similar properties. This amino acid position is conserved. In addition, this alteration is predicted to be tolerated by in silico analysis. Based on the available evidence, the clinical significance of this variant remains unclear.